The following is an entry in ClinVar:

ClinVar aggregate classification (germline): Uncertain significance (1 of 4 stars; one submission).

Submission:

GeneDx
Classification: Uncertain significance. Last evaluated: 2024-04-10. Review status: criteria provided, single submitter. Criteria: GeneDx Variant Classification Process June 2021. Collection method: clinical testing. Allele origin: germline. Affected: yes.
Comment: Has not been previously published as pathogenic or benign to our knowledge; Not observed at significant frequency in large population cohorts (gnomAD); In silico analysis supports that this missense variant has a deleterious effect on protein structure/function

NM_000393.5(COL5A2):c.1274A>T (p.Asp425Val)

Gene: COL5A2 (collagen type V alpha 2 chain; minus strand). Cytogenetic location: 2q32.2.
Variant type: single nucleotide variant.
Coding change: c.1274A>T on transcript NM_000393.5 (MANE Select); coding-DNA position 1274, A replaced by T.
Protein change: p.Asp425Val; replaces aspartic acid 425 with valine.
Molecular consequence: missense variant.
Genome position (GRCh38, 1-based): chr2:189,068,254, T>A on the plus strand (A>T on the coding strand, the complement: COL5A2 is on the minus strand). VCF-style: chr2-189068254-T-A. GRCh37 (hg19) VCF-style: chr2-189932980-T-A.
Other names: short protein forms D425V.
Identifiers: ClinVar variation 3372307 (VCV003372307.1).
Genomic context (GRCh38, chr2:189,068,254, plus strand): 5'-TGAGCTTCACATGCCATAAATGCAGTACTCACCGTTGGGCCTTTGGCACCAGGAGTACCA[T>A]CAGTTCCTATTGCACCCTAAAAGGTACATTAAAAGTATGTAATGAAATATTAAGCAATAT-3'
Protein context (NP_000384.2, residues 415-435): SPGLPGAIGT[Asp425Val]GTPGAKGPTG